The following is an entry in ClinVar:

ClinVar aggregate classification (germline): Uncertain significance. Review status: criteria provided, multiple submitters, no conflicts (2 of 4 stars). 2 submissions from 2 submitters: Uncertain significance (2). Last evaluated 2026-07-06.

Conditions:
Hereditary cancer-predisposing syndrome. Also called: Hereditary Cancer Syndrome; Hereditary neoplastic syndrome; Neoplastic Syndromes, Hereditary; Tumor predisposition. Identifiers: Orphanet 140162, MedGen C0027672, MeSH D009386, MONDO:0015356.
Breast and/or ovarian cancer. Identifiers: MedGen CN221562.

Submissions (2):

Ambry Genetics
Classification: Uncertain significance for Hereditary cancer-predisposing syndrome. Last evaluated: 2026-07-06. Review status: criteria provided, single submitter. Criteria: Ambry Variant Classification Scheme 2023. Collection method: clinical testing. Allele origin: germline.
Comment: The p.A439V variant (also known as c.1316C>T), located in coding exon 9 of the CDH1 gene, results from a C to T substitution at nucleotide position 1316. The alanine at codon 439 is replaced by valine, an amino acid with similar properties. This amino acid position is conserved. In addition, this alteration is predicted to be tolerated by in silico analysis. Based on the available evidence, the clinical significance of this variant remains unclear.

CHEO Genetics Diagnostic Laboratory, Children's Hospital of Eastern Ontario
Classification: Uncertain significance for Breast and/or ovarian cancer. Last evaluated: 2021-11-07. Review status: criteria provided, single submitter. Criteria: ACMG Guidelines, 2015. Collection method: clinical testing. Allele origin: germline.

NM_004360.5(CDH1):c.1316C>T (p.Ala439Val)

Gene: CDH1 (cadherin 1; plus strand). Cytogenetic location: 16q22.1.
Variant type: single nucleotide variant.
Coding change: c.1316C>T on transcript NM_004360.5 (MANE Select); coding-DNA position 1316, C replaced by T.
Protein change: p.Ala439Val; replaces alanine 439 with valine.
Molecular consequence: missense variant. On other transcripts: 5 prime UTR variant (2), intron variant (1).
Genome position (GRCh38, 1-based): chr16:68,813,491, C>T. VCF-style: chr16-68813491-C-T. GRCh37 (hg19) VCF-style: chr16-68847394-C-T.
Other names: c.-300C>T (NM_001317185.2); c.-504C>T (NM_001317186.2); c.1137+1228C>T (NM_001317184.2); short protein forms A439V.
Identifiers: ClinVar variation 2442990 (VCV002442990.3), dbSNP rs1597896180, ClinGen allele CA396461942.